The following is an entry in ClinVar:

NM_005633.4(SOS1):c.1297G>A (p.Glu433Lys)

Gene: SOS1 (SOS Ras/Rac guanine nucleotide exchange factor 1; minus strand). Cytogenetic location: 2p22.1.
Variant type: single nucleotide variant.
Coding change: c.1297G>A on transcript NM_005633.4 (MANE Select); coding-DNA position 1297, G replaced by A.
Protein change: p.Glu433Lys; replaces glutamic acid 433 with lysine.
Molecular consequence: missense variant.
Genome position (GRCh38, 1-based): chr2:39,023,131, C>T on the plus strand (G>A on the coding strand, the complement: SOS1 is on the minus strand). VCF-style: chr2-39023131-C-T. GRCh37 (hg19) VCF-style: chr2-39250272-C-T.
Other names: p.E433K:GAG>AAG; c.1276G>A, p.Glu426Lys (NM_001382394.1); c.1297G>A, p.Glu433Lys (NM_001382395.1); short protein forms E433K, E426K.
Identifiers: ClinVar variation 40669 (VCV000040669.26), dbSNP rs397517147, ClinGen allele CA235348.

ClinVar aggregate classification (germline): Pathogenic. Review status: criteria provided, multiple submitters, no conflicts (2 of 4 stars). 9 submissions from 9 submitters: Pathogenic (7). 2 of the submissions do not count toward it. Last evaluated 2026-07-10.

Conditions:
Noonan syndrome and Noonan-related syndrome. Identifiers: Orphanet 98733, MedGen C5681679, MONDO:0020297.
SOS1-related disorder. Also called: SOS1-related condition.
RASopathy. Also called: rasopathies; Noonan spectrum disorder. Identifiers: Orphanet 536391, MedGen C5555857, MONDO:0021060.
Noonan syndrome (NS). Also called: Noonan's syndrome. Identifiers: Orphanet 648, MedGen C0028326, MeSH D009634, MONDO:0018997. Disease mechanism: gain of function.
Noonan syndrome 1 (NS1). Also called: PTPN11-Related Noonan Syndrome; FEMALE PSEUDO-TURNER SYNDROME; TURNER PHENOTYPE WITH NORMAL KARYOTYPE. Identifiers: Orphanet 648, MedGen C4551602, MONDO:0008104, OMIM 163950. Disease mechanism: gain of function.
Noonan syndrome 4 (NS4). Also called: SOS1-Related Noonan Syndrome; NOONAN SYNDROME WITH PIGMENTED VILLONODULAR SYNOVITIS. Identifiers: Orphanet 648, MedGen C1853120, MONDO:0012547, OMIM 610733.

Allele frequency attached by ClinVar (database versions not stated): gnomAD exomes below 0.00001.
gnomAD v4.1: 1 of 1,613,232 alleles (0.000062%); highest among the groups gnomAD compares: South Asian, 0.0011%; no homozygotes.

Submissions (9):

PreventionGenetics, part of Exact Sciences
Classification: Pathogenic for SOS1-related condition. Last evaluated: 2026-07-10. Review status: criteria provided, single submitter. Criteria: ACMG Guidelines, 2015. Collection method: clinical testing. Allele origin: germline.
Comment: The SOS1 c.1297G>A variant is predicted to result in the amino acid substitution p.Glu433Lys. This variant has been reported in four individuals with Noonan syndrome (Tartaglia et al. 2007. PubMed ID: 17143282; Ko et al. 2008. PubMed ID: 19020799; Denayer et al. 2010. PubMed ID: 19953625), one individual with Cardio-Facio-Cutaneous syndrome (Nyström et al. 2008. PubMed ID: 18456719), and in a fetus with increased nuchal translucency (Xue et al. 2020. PubMed ID: 32036363). In at least three of these individuals the variant was reported to be de novo. Functional studies demonstrate this variant results in an increased nucleotide exchange rate, consistent with a gain-of-function mechanism and likely resulting in the hyperactivation of the RAS pathway (Gureasko et al. 2010. PubMed ID: 20133692). Additionally, amino acid substitutions affecting adjacent residues (p.Trp432Arg, p.Trp432Cys, p.Gly434Arg, p.Gly434Lys) have been reported as pathogenic (ClinVar IDs: 1712183, 12873, 2725108, 40670, 40672, 40671). This variant has been interpreted as pathogenic in the ClinVar database (Variation ID: 40669). This variant is interpreted as pathogenic.

Labcorp Genetics (formerly Invitae), Labcorp
Classification: Pathogenic for RASopathy. Last evaluated: 2025-11-27. Review status: criteria provided, single submitter. Criteria: Invitae Variant Classification Sherloc (09022015). Collection method: clinical testing. Allele origin: germline.
Comment: This sequence change replaces glutamic acid, which is acidic and polar, with lysine, which is basic and polar, at codon 433 of the SOS1 protein (p.Glu433Lys). This variant is present in population databases (rs397517147, gnomAD 0.003%). This missense change has been observed in individual(s) with Noonan syndrome (PMID: 17143282, 18456719, 19020799, 19953625). In at least one individual the variant was observed to be de novo. ClinVar contains an entry for this variant (Variation ID: 40669). Invitae Evidence Modeling of protein sequence and biophysical properties (such as structural, functional, and spatial information, amino acid conservation, physicochemical variation, residue mobility, and thermodynamic stability) indicates that this missense variant is expected to disrupt SOS1 protein function with a positive predictive value of 95%. Experimental studies have shown that this missense change affects SOS1 function (PMID: 20133692). For these reasons, this variant has been classified as Pathogenic.

3billion
Classification: Pathogenic for Noonan syndrome 4. Last evaluated: 2024-12-31. Review status: criteria provided, single submitter. Criteria: ACMG Guidelines, 2015. Collection method: clinical testing. Allele origin: germline. Affected: yes.
Comment: The variant is observed at an extremely low frequency in the gnomAD v4.1.0 dataset (total allele frequency: <0.001%). Predicted Consequence/Location: The variant is located in a mutational hot spot and/or well-established functional domain in which established pathogenic variants have been reported (PMID: 29493581). Missense variant. Missense changes are a common disease-causing mechanism. In silico tool predictions suggest damaging effect of the variant on gene or gene product [REVEL: 0.78 (>=0.6, sensitivity 0.68 and specificity 0.92); 3Cnet: 0.91 (>=0.6, sensitivity 0.72 and precision 0.9)]. The same nucleotide change resulting in the same amino acid change has been previously reported as pathogenic/likely pathogenic with strong evidence (ClinVar ID: VCV000040669 /PMID: 17143282). Therefore, this variant is classified as Pathogenic according to the recommendation of ACMG/AMP guideline.

GeneDx
Classification: Pathogenic. Last evaluated: 2023-03-20. Review status: criteria provided, single submitter. Criteria: GeneDx Variant Classification Process June 2021. Collection method: clinical testing. Allele origin: germline. Affected: yes.
Comment: Published functional studies demonstrate E433K increases the activation of RAS binding (Gureasko et al., 2010); In silico analysis supports that this missense variant has a deleterious effect on protein structure/function; Missense variants in this gene are often considered pathogenic (HGMD); This variant is associated with the following publications: (PMID: 17586837, 21387466, 19020799, 18772396, 19953625, 17143282, 20133692, 20648242, 21851854, 21784453, 23756559, 24458522, 22848035, 18854871, 18456719, 24803665, 32036363, 31130284, 29493581, 12628188, 35792504, 34643321)

Genome Diagnostics Laboratory, The Hospital for Sick Children
Classification: Pathogenic for Noonan syndrome and Noonan-related syndrome. Last evaluated: 2020-03-01. Review status: criteria provided, single submitter. Criteria: ACMG Guidelines, 2015. Collection method: clinical testing. Allele origin: germline. Affected: yes.

Laboratory for Molecular Medicine, Mass General Brigham Personalized Medicine
Classification: Pathogenic for Noonan syndrome. Last evaluated: 2011-02-08. Review status: criteria provided, single submitter. Criteria: LMM Criteria. Collection method: clinical testing. Allele origin: germline. Observed: 2 variant alleles.
Comment: The Glu433Lys variant has been identified in the literature in several individua ls with clinical features of Noonan syndrome and one individual with Cardio-faci o-cutaneous syndrome (Ko 2008, Nystrom 2008, Tartaglia 2007, Denayer 2010). This variant has been reported to have occurred de novo in sporadic disease (Nystrom 2008, Denayer 2010). Therefore, it is highly likely that this variant is pathog enic.

Genome-Nilou Lab
Classification: Pathogenic for Noonan syndrome 4. Review status: criteria provided, single submitter. Criteria: ACMG Guidelines, 2015. Collection method: clinical testing. Allele origin: germline.

Greenwood Genetic Center Diagnostic Laboratories, Greenwood Genetic Center
Classification: Pathogenic. Last evaluated: 2015-01-15. Review status: no assertion criteria provided. Collection method: clinical testing. Allele origin: germline. Not counted in ClinVar's aggregate classification.

Molecular Genetics, Centre for Human Genetics
Classification: Pathogenic for Noonan syndrome 1. Review status: no assertion criteria provided. Collection method: clinical testing. Allele origin: de novo. Inheritance: Autosomal dominant inheritance. Affected: yes. Observed: 4 variant alleles. Not counted in ClinVar's aggregate classification.

Literature cited by the submitters: PubMed 17143282 (cited by 3 submitters); PubMed 18456719 (cited by Labcorp Genetics (formerly Invitae), Labcorp and Laboratory for Molecular Medicine, Mass General Brigham Personalized Medicine); PubMed 19020799 (cited by Labcorp Genetics (formerly Invitae), Labcorp and Laboratory for Molecular Medicine, Mass General Brigham Personalized Medicine); PubMed 19953625 (cited by Labcorp Genetics (formerly Invitae), Labcorp and Laboratory for Molecular Medicine, Mass General Brigham Personalized Medicine); PubMed 20133692 (cited by Labcorp Genetics (formerly Invitae), Labcorp and Laboratory for Molecular Medicine, Mass General Brigham Personalized Medicine); PubMed 18772396 (cited by Laboratory for Molecular Medicine, Mass General Brigham Personalized Medicine).